The following is an entry in ClinVar:

ClinVar aggregate classification (germline): Uncertain significance (1 of 4 stars; one submission).

Conditions:
Clark-Baraitser syndrome. Also called: Intellectual disability, autosomal dominant 49; MENTAL RETARDATION, AUTOSOMAL DOMINANT 49; BARAITSER SYNDROME; Mental retardation, tall stature, obesity, macrocephaly and typical facial features. Identifiers: Orphanet 600731, MedGen C2931130, MONDO:0030914, OMIM 617752.

Submission:

Laboratorio de Genetica e Diagnostico Molecular, Hospital Israelita Albert Einstein
Classification: Uncertain significance for Clark-Baraitser syndrome. Last evaluated: 2024-03-21. Review status: criteria provided, single submitter. Criteria: ACMG Guidelines, 2015. Collection method: clinical testing. Allele origin: germline. Affected: yes.
Comment: ACMG classification criteria: PM2 supporting, PP2 supporting, BP4 supporting

NM_001348323.3(TRIP12):c.3439G>T (p.Gly1147Cys)

Gene: TRIP12 (thyroid hormone receptor interactor 12; minus strand). Cytogenetic location: 2q36.3.
Variant type: single nucleotide variant.
Coding change: c.3439G>T on transcript NM_001348323.3 (MANE Select); coding-DNA position 3439, G replaced by T.
Protein change: p.Gly1147Cys; replaces glycine 1147 with cysteine.
Molecular consequence: missense variant.
Genome position (GRCh38, 1-based): chr2:229,798,918, C>A on the plus strand (G>T on the coding strand, the complement: TRIP12 is on the minus strand). VCF-style: chr2-229798918-C-A. GRCh37 (hg19) VCF-style: chr2-230663634-C-A.
Other names: c.3358G>T, p.Gly1120Cys (NM_001284214.2, NM_001348315.2); c.3313G>T, p.Gly1105Cys (NM_001284215.2, NM_001348316.2, NM_001348317.1 and 1 more transcripts); c.2404G>T, p.Gly802Cys (NM_001284216.2); c.3439G>T, p.Gly1147Cys (NM_001348319.1, NM_001348320.2, NM_001348322.1 and 4 more transcripts); c.3442G>T, p.Gly1148Cys (NM_001348321.1, NM_001348328.1, NM_001348329.2 and 1 more transcripts); c.3232G>T, p.Gly1078Cys (NM_001348331.1); c.3352G>T, p.Gly1118Cys (NM_001348332.1); c.3361G>T, p.Gly1121Cys (NM_001348333.1); and 1 more; short protein forms G1072C, G1078C, G1105C, G1118C, G1120C, G1121C, G1147C, G1148C.
Identifiers: ClinVar variation 4076275 (VCV004076275.1).
Genomic context (GRCh38, chr2:229,798,918, plus strand): 5'-AACTCCCCCCACTTCACCTATTATTGGAGATGGTATCCTTTGAGGCAGCCCTGGCAAGGC[C>A]ACTACCTCCCGCAGTCCGTGCTGGCTCAATGTTGTTGCTGTTGGACTGTGTACTTAACCT-3'
Protein context (NP_001335252.1, residues 1137-1157): IEPARTAGGS[Gly1147Cys]LARAASKDTI